The following is an entry in ClinVar:

NM_001361.5(DHODH):c.655G>A (p.Gly219Arg)

Gene: DHODH (dihydroorotate dehydrogenase (quinone); plus strand). Cytogenetic location: 16q22.2.
Variant type: single nucleotide variant.
Coding change: c.655G>A on transcript NM_001361.5 (MANE Select); coding-DNA position 655, G replaced by A.
Protein change: p.Gly219Arg; replaces glycine 219 with arginine.
Molecular consequence: missense variant.
Genome position (GRCh38, 1-based): chr16:72,021,261, G>A. VCF-style: chr16-72021261-G-A. GRCh37 (hg19) VCF-style: chr16-72055160-G-A.
Other names: short protein forms G219R.
Identifiers: ClinVar variation 320425 (VCV000320425.10), dbSNP rs369556950, ClinGen allele CA8158716.

ClinVar aggregate classification (germline): Uncertain significance. Review status: criteria provided, multiple submitters, no conflicts (2 of 4 stars). 4 submissions from 4 submitters: Uncertain significance (4). Last evaluated 2025-05-13.

Conditions:
Miller syndrome (POADS). Also called: GENEE-WIEDEMANN SYNDROME; Genee-Wiedemann acrofacial dysostosis. Identifiers: Orphanet 246, MedGen C0265257, MONDO:0009903, OMIM 263750.
Inborn genetic diseases. Identifiers: MedGen C0950123, MeSH D030342.

Allele frequency attached by ClinVar (database versions not stated): gnomAD 0.00007 and 0.00009; ExAC 0.00008; TOPMed 0.00008; ESP Exome Variant Server 0.00024.
gnomAD v4.1: 130 of 1,612,396 alleles (0.0081%); highest among the groups gnomAD compares: South Asian, 0.011%; no homozygotes.

Submissions (4):

Ambry Genetics
Classification: Uncertain significance for Inborn genetic diseases. Last evaluated: 2025-05-13. Review status: criteria provided, single submitter. Criteria: Ambry Variant Classification Scheme 2023. Collection method: clinical testing. Allele origin: germline.

Labcorp Genetics (formerly Invitae), Labcorp
Classification: Uncertain significance. Last evaluated: 2024-08-14. Review status: criteria provided, single submitter. Criteria: Invitae Variant Classification Sherloc (09022015). Collection method: clinical testing. Allele origin: germline.
Comment: This sequence change replaces glycine, which is neutral and non-polar, with arginine, which is basic and polar, at codon 219 of the DHODH protein (p.Gly219Arg). This variant is present in population databases (rs369556950, gnomAD 0.01%). This variant has not been reported in the literature in individuals affected with DHODH-related conditions. ClinVar contains an entry for this variant (Variation ID: 320425). Invitae Evidence Modeling of protein sequence and biophysical properties (such as structural, functional, and spatial information, amino acid conservation, physicochemical variation, residue mobility, and thermodynamic stability) indicates that this missense variant is expected to disrupt DHODH protein function with a positive predictive value of 80%. In summary, the available evidence is currently insufficient to determine the role of this variant in disease. Therefore, it has been classified as a Variant of Uncertain Significance.

Blueprint Genetics
Classification: Uncertain significance. Last evaluated: 2024-07-17. Review status: criteria provided, single submitter. Criteria: ACMG Guidelines, 2015. Collection method: clinical testing. Allele origin: germline.

Illumina Laboratory Services, Illumina
Classification: Uncertain significance for Miller syndrome. Last evaluated: 2018-01-12. Review status: criteria provided, single submitter. Criteria: ICSL Variant Classification Criteria 13 December 2019. Collection method: clinical testing. Allele origin: germline.